The following is an entry in ClinVar:

NM_004360.5(CDH1):c.2420T>C (p.Ile807Thr)

Gene: CDH1 (cadherin 1; plus strand). Cytogenetic location: 16q22.1.
Variant type: single nucleotide variant.
Coding change: c.2420T>C on transcript NM_004360.5 (MANE Select); coding-DNA position 2420, T replaced by C.
Protein change: p.Ile807Thr; replaces isoleucine 807 with threonine.
Molecular consequence: missense variant.
Genome position (GRCh38, 1-based): chr16:68,829,778, T>C. VCF-style: chr16-68829778-T-C. GRCh37 (hg19) VCF-style: chr16-68863681-T-C.
Other names: c.2237T>C, p.Ile746Thr (NM_001317184.2); c.872T>C, p.Ile291Thr (NM_001317185.2); c.455T>C, p.Ile152Thr (NM_001317186.2); short protein forms I152T, I291T, I746T, I807T.
Identifiers: ClinVar variation 845464 (VCV000845464.16), dbSNP rs1961433736, ClinGen allele CA396471303.

ClinVar aggregate classification (germline): Uncertain significance. Review status: criteria provided, multiple submitters, no conflicts (2 of 4 stars). 3 submissions from 3 submitters: Uncertain significance (3). Last evaluated 2025-10-23.

Conditions:
Hereditary cancer-predisposing syndrome. Also called: Neoplastic Syndromes, Hereditary; Hereditary neoplastic syndrome; Tumor predisposition; Hereditary Cancer Syndrome. Identifiers: Orphanet 140162, MedGen C0027672, MeSH D009386, MONDO:0015356.
Hereditary diffuse gastric adenocarcinoma (HDGC). Also called: DIFFUSE GASTRIC AND LOBULAR BREAST CANCER SYNDROME. Identifiers: Orphanet 26106, MedGen C1708349, MONDO:0007648, OMIM 137215.

Allele frequency attached by ClinVar (database versions not stated): gnomAD exomes below 0.00001.
gnomAD v4.1: 2 of 1,613,772 alleles (0.00012%); highest among the groups gnomAD compares: Non-Finnish European, 0.00017%; no homozygotes.

Submissions (3):

Ambry Genetics
Classification: Uncertain significance for Hereditary cancer-predisposing syndrome. Last evaluated: 2025-10-23. Review status: criteria provided, single submitter. Criteria: Ambry Variant Classification Scheme 2023. Collection method: clinical testing. Allele origin: germline.
Comment: The p.I807T variant (also known as c.2420T>C), located in coding exon 15 of the CDH1 gene, results from a T to C substitution at nucleotide position 2420. This alteration was observed in 1/7,051 unselected female breast cancer patients and 1/11,241 female controls of Japanese ancestry (Momozawa Y et al. Nat Commun, 2018 10;9:4083). The isoleucine at codon 807 is replaced by threonine, an amino acid with similar properties. This amino acid position is highly conserved in available vertebrate species. In addition, this alteration is predicted to be deleterious by in silico analysis. Since supporting evidence is limited at this time, the clinical significance of this alteration remains unclear.

Labcorp Genetics (formerly Invitae), Labcorp
Classification: Uncertain significance for Hereditary diffuse gastric adenocarcinoma. Last evaluated: 2021-01-10. Review status: criteria provided, single submitter. Criteria: Invitae Variant Classification Sherloc (09022015). Collection method: clinical testing. Allele origin: germline.
Comment: In summary, the available evidence is currently insufficient to determine the role of this variant in disease. Therefore, it has been classified as a Variant of Uncertain Significance. Algorithms developed to predict the effect of missense changes on protein structure and function are either unavailable or do not agree on the potential impact of this missense change (SIFT: "Deleterious"; PolyPhen-2: "Probably Damaging"; Align-GVGD: "Class C0"). This variant has been observed in individual(s) with breast cancer (PMID: 30287823). This variant is not present in population databases (ExAC no frequency). This sequence change replaces isoleucine with threonine at codon 807 of the CDH1 protein (p.Ile807Thr). The isoleucine residue is highly conserved and there is a moderate physicochemical difference between isoleucine and threonine.

GeneDx
Classification: Uncertain significance. Last evaluated: 2020-08-21. Review status: criteria provided, single submitter. Criteria: GeneDx Variant Classification Process June 2021. Collection method: clinical testing. Allele origin: germline. Affected: yes.
Comment: Not observed in large population cohorts (Lek et al., 2016); In silico analysis supports that this missense variant has a deleterious effect on protein structure/function; Observed in individuals with a personal history of breast cancer (Momozawa 2018); This variant is associated with the following publications: (PMID: 30287823)

Literature cited by the submitters: PubMed 30287823 (cited by Ambry Genetics and Labcorp Genetics (formerly Invitae), Labcorp).